The following is an entry in ClinVar:

NM_000350.3(ABCA4):c.1142C>G (p.Pro381Arg)

Gene: ABCA4 (ATP binding cassette subfamily A member 4; minus strand). Cytogenetic location: 1p22.1.
Variant type: single nucleotide variant.
Coding change: c.1142C>G on transcript NM_000350.3 (MANE Select); coding-DNA position 1142, C replaced by G.
Protein change: p.Pro381Arg; replaces proline 381 with arginine.
Molecular consequence: missense variant.
Genome position (GRCh38, 1-based): chr1:94,079,419, G>C on the plus strand (C>G on the coding strand, the complement: ABCA4 is on the minus strand). VCF-style: chr1-94079419-G-C. GRCh37 (hg19) VCF-style: chr1-94544975-G-C.
Other names: c.1142C>G, p.Pro381Arg (NM_001425324.1); short protein forms P381R.
Identifiers: ClinVar variation 4821889 (VCV004821889.4).

ClinVar aggregate classification (germline): Uncertain significance (1 of 4 stars; one submission).

gnomAD v4.1: 2 of 1,614,190 alleles (0.00012%); highest among the groups gnomAD compares: Non-Finnish European, 0.00017%; no homozygotes.

Submission:

CeGaT Center for Human Genetics Tuebingen
Classification: Uncertain significance. Last evaluated: 2026-01-01. Review status: criteria provided, single submitter. Criteria: CeGaT Center For Human Genetics Tuebingen Variant Classification Criteria Version 2. Collection method: clinical testing. Allele origin: germline. Affected: yes. Observed: 1 variant allele.
Comment: ABCA4: PM2